The following is an entry in ClinVar:

NM_170665.4(ATP2A2):c.2315_2318delTCTG (p.Cys773fs)

Gene: ATP2A2 (ATPase sarcoplasmic/endoplasmic reticulum Ca2+ transporting 2; plus strand). Cytogenetic location: 12q24.11.
Variant type: Deletion.
Coding change: c.2315_2318delTCTG on transcript NM_170665.4 (MANE Select); coding-DNA positions 2315 to 2318, 4 bases deleted (TCTG).
Protein change: p.Cys773fs; shifts the reading frame from cysteine 773.
Molecular consequence: frameshift variant.
Genome position (GRCh38, 1-based): chr12:110,342,445-110,342,448, TCTG deleted; deleting any 4 consecutive bases within chr12:110,342,443-110,342,448 gives the same sequence; the c. name uses the placement nearest the transcript's 3' end. VCF-style (leftmost placement, unchanged base first): chr12-110342442-TTGTC-T. GRCh37 (hg19) VCF-style: chr12-110780247-TTGTC-T.
Other names: c.2210_2213delTCTG, p.Cys738fs (NM_001413013.1); c.2315_2318delTCTG, p.Cys773fs (NM_001413014.1, NM_001681.4); c.1940_1943delTCTG, p.Cys648fs (NM_001413015.1); c.2315_2318del (NM_170665.4); short protein forms C648fs, C738fs, C773fs.
Identifiers: ClinVar variation 3359251 (VCV003359251.2).

ClinVar aggregate classification (germline): Likely pathogenic (0 of 4 stars; one submission).

Conditions:
Keratosis follicularis (DAR). Also called: Darier disease; Darier's disease. Identifiers: Orphanet 218, MedGen C0022595, MONDO:0007417, OMIM 124200.

Submission:

Medical Genetics Unit, Mauro Baschirotto Institute for Rare Disease
Classification: Likely pathogenic for Keratosis follicularis. Last evaluated: 2024-06-07. Review status: no assertion criteria provided. Collection method: provider interpretation. Allele origin: germline. Affected: yes. Observed: 1 variant allele.
Comment: The c.2315_2318del variant has not been published as a pathogenic variant, nor has it been reported as a benign variant to our knowledge. This variant causes a frameshift starting with codon Cys 773, changes this amino acid to a Phe residue and creates a premature Stop codon at position 3 of the new reading frame, denoted p.Cys773Phefs*3.To our knowledge, this variant has not been reported in the literature or in a large population database, indicating this variant is rare. This small deletion gives rise to a frameshift resulting in a premature stop codon and protein truncation. According to Franklin by genoox ACMG classification this null mutation results in a loss of function which is a known mechanism of disease (PVS1 very strong). Therefore, this variant is classified likely pathogenic.